The following is an entry in ClinVar:

ClinVar aggregate classification (germline): Likely benign (1 of 4 stars; one submission).

Submission:

CeGaT Center for Human Genetics Tuebingen
Classification: Likely benign. Last evaluated: 2025-01-01. Review status: criteria provided, single submitter. Criteria: CeGaT Center For Human Genetics Tuebingen Variant Classification Criteria Version 2. Collection method: clinical testing. Allele origin: germline. Affected: yes. Observed: 1 variant allele.
Comment: INTS11: BP4, BP7

NM_017871.6(INTS11):c.1581A>C (p.Ala527=)

Gene: INTS11 (integrator complex subunit 11; minus strand). Cytogenetic location: 1p36.33.
Variant type: single nucleotide variant.
Coding change: c.1581A>C on transcript NM_017871.6 (MANE Select); coding-DNA position 1581, A replaced by C.
Protein change: p.Ala527=; no amino-acid change (alanine 527 retained).
Molecular consequence: synonymous variant.
Genome position (GRCh38, 1-based): chr1:1,312,252, T>G on the plus strand (A>C on the coding strand, the complement: INTS11 is on the minus strand). VCF-style: chr1-1312252-T-G. GRCh37 (hg19) VCF-style: chr1-1247632-T-G.
Other names: c.1599A>C, p.Ala533= (NM_001256456.2); c.1494A>C, p.Ala498= (NM_001256460.2); c.1287A>C, p.Ala429= (NM_001256462.2); c.1278A>C, p.Ala426= (NM_001256463.2).
Identifiers: ClinVar variation 3771686 (VCV003771686.13).
Genomic context (GRCh38, chr1:1,312,252, plus strand): 5'-AGGGAGTGGGGGGGGGGCGGGGCCGGGCGCCCACCTCTTGAGGTGGCTGTAGACGCGCAA[T>G]GCCGTCTCCTGCTCCTTGCGTGTGTCATGCAGGTGCACGCGGCAGGTGAAGCGCAGCTGG-3'
Protein context (NP_060341.2, residues 517-537): LHDTRKEQET[Ala527=]LRVYSHLKSV